The following is an entry in ClinVar:

NM_000447.3(PSEN2):c.854A>G (p.Asn285Ser)

Gene: PSEN2 (presenilin 2; plus strand). Cytogenetic location: 1q42.13.
Variant type: single nucleotide variant.
Coding change: c.854A>G on transcript NM_000447.3 (MANE Select); coding-DNA position 854, A replaced by G.
Protein change: p.Asn285Ser; replaces asparagine 285 with serine.
Molecular consequence: missense variant.
Genome position (GRCh38, 1-based): chr1:226,890,101, A>G. VCF-style: chr1-226890101-A-G. GRCh37 (hg19) VCF-style: chr1-227077802-A-G.
Other names: c.854A>G, p.Asn285Ser (NM_001437537.1, NM_012486.3); short protein forms N285S.
Identifiers: ClinVar variation 4806493 (VCV004806493.1).
Genomic context (GRCh38, chr1:226,890,101, plus strand): 5'-TGGCTGTGCTGTGTCCCAAAGGGCCTCTGAGAATGCTGGTAGAAACTGCCCAGGAGAGAA[A>G]TGAGCCCATATTCCCTGCCCTGATATACTCATGTGAGTGAGCCCCCCGTGCCTCTGCCTG-3'
Protein context (NP_000438.2, residues 275-295): RMLVETAQER[Asn285Ser]EPIFPALIYS

ClinVar aggregate classification (germline): Uncertain significance (1 of 4 stars; one submission).

Conditions:
Alzheimer disease 4 (AD4). Identifiers: Orphanet 1020, MedGen C1847200, MONDO:0011743, OMIM 606889.

Submission:

Labcorp Genetics (formerly Invitae), Labcorp
Classification: Uncertain significance for Alzheimer disease 4. Last evaluated: 2025-06-12. Review status: criteria provided, single submitter. Criteria: Invitae Variant Classification Sherloc (09022015). Collection method: clinical testing. Allele origin: germline.
Comment: This sequence change replaces asparagine, which is neutral and polar, with serine, which is neutral and polar, at codon 285 of the PSEN2 protein (p.Asn285Ser). This variant is present in population databases (rs150780392, gnomAD 0.0009%). This variant has not been reported in the literature in individuals affected with PSEN2-related conditions. Invitae Evidence Modeling of protein sequence and biophysical properties (such as structural, functional, and spatial information, amino acid conservation, physicochemical variation, residue mobility, and thermodynamic stability) has been performed for this missense variant. However, the output from this modeling did not meet the statistical confidence thresholds required to predict the impact of this variant on PSEN2 protein function. In summary, the available evidence is currently insufficient to determine the role of this variant in disease. Therefore, it has been classified as a Variant of Uncertain Significance.